The following is an entry in ClinVar:

ClinVar aggregate classification (germline): Conflicting classifications of pathogenicity. Review status: criteria provided, conflicting classifications (1 of 4 stars). 2 submissions from 2 submitters: Uncertain significance (1); Likely benign (1). Last evaluated 2022-11-12.

Allele frequency attached by ClinVar (database versions not stated): ExAC 0.00001; gnomAD 0.00002; TOPMed 0.00003; ESP Exome Variant Server 0.00008.
gnomAD v4.1: 19 of 1,613,880 alleles (0.0012%); highest among the groups gnomAD compares: East Asian, 0.0067%; no homozygotes.

Submissions (2):

Labcorp Genetics (formerly Invitae), Labcorp
Classification: Uncertain significance. Last evaluated: 2022-11-12. Review status: criteria provided, single submitter. Criteria: Invitae Variant Classification Sherloc (09022015). Collection method: clinical testing. Allele origin: germline.
Comment: This sequence change falls in intron 7 of the TRPM1 gene. It does not directly change the encoded amino acid sequence of the TRPM1 protein. This variant is present in population databases (rs371391634, gnomAD 0.005%). This variant has not been reported in the literature in individuals affected with TRPM1-related conditions. Algorithms developed to predict the effect of sequence changes on RNA splicing suggest that this variant may disrupt the consensus splice site. In summary, the available evidence is currently insufficient to determine the role of this variant in disease. Therefore, it has been classified as a Variant of Uncertain Significance.

Blueprint Genetics
Classification: Likely benign. Last evaluated: 2022-06-30. Review status: criteria provided, single submitter. Criteria: ACMG Guidelines, 2015. Collection method: clinical testing. Allele origin: germline.

NM_001252024.2(TRPM1):c.965+18C>T

Gene: TRPM1 (transient receptor potential cation channel subfamily M member 1; minus strand). Cytogenetic location: 15q13.3.
Variant type: single nucleotide variant.
Coding change: c.965+18C>T on transcript NM_001252024.2 (MANE Select); 18 bases into the intron after coding-DNA position 965, C replaced by T.
Molecular consequence: intron variant.
Genome position (GRCh38, 1-based): chr15:31,063,100, G>A on the plus strand (C>T on the coding strand, the complement: TRPM1 is on the minus strand). VCF-style: chr15-31063100-G-A. GRCh37 (hg19) VCF-style: chr15-31355303-G-A.
Other names: c.1016+18C>T (NM_001252020.2); c.899+18C>T (NM_002420.6).
Identifiers: ClinVar variation 2970944 (VCV002970944.4), dbSNP rs371391634, ClinGen allele CA7452755.